The following is an entry in ClinVar:

NM_003072.5(SMARCA4):c.878C>T (p.Ala293Val)

Gene: SMARCA4 (SWI/SNF related BAF chromatin remodeling complex subunit ATPase 4; plus strand). Cytogenetic location: 19p13.2.
Variant type: single nucleotide variant.
Coding change: c.878C>T on transcript NM_003072.5 (MANE Select); coding-DNA position 878, C replaced by T.
Protein change: p.Ala293Val; replaces alanine 293 with valine.
Molecular consequence: missense variant. On other transcripts: non-coding transcript variant (1).
Genome position (GRCh38, 1-based): chr19:10,987,684, C>T. VCF-style: chr19-10987684-C-T. GRCh37 (hg19) VCF-style: chr19-11098360-C-T.
Other names: c.878C>T, p.Ala293Val (NM_001128844.3, NM_001128845.2, NM_001128846.2 and 5 more transcripts); short protein forms A293V.
Identifiers: ClinVar variation 480693 (VCV000480693.5), dbSNP rs1236388987, ClinGen allele CA404058354.

ClinVar aggregate classification (germline): Uncertain significance (1 of 4 stars; one submission).

Conditions:
Hereditary cancer-predisposing syndrome. Also called: Hereditary Cancer Syndrome; Neoplastic Syndromes, Hereditary; Tumor predisposition; Hereditary neoplastic syndrome. Identifiers: Orphanet 140162, MedGen C0027672, MeSH D009386, MONDO:0015356.

Allele frequency attached by ClinVar (database versions not stated): gnomAD exomes 0.00001.

Submission:

Ambry Genetics
Classification: Uncertain significance for Hereditary cancer-predisposing syndrome. Last evaluated: 2017-08-02. Review status: criteria provided, single submitter. Criteria: Ambry Variant Classification Scheme 2023. Collection method: clinical testing. Allele origin: germline.
Comment: The p.A293V variant (also known as c.878C>T), located in coding exon 5 of the SMARCA4 gene, results from a C to T substitution at nucleotide position 878. The alanine at codon 293 is replaced by valine, an amino acid with similar properties. This amino acid position is highly conserved in available vertebrate species. In addition, the in silico prediction for this alteration is inconclusive. Since supporting evidence is limited at this time, the clinical significance of this alteration remains unclear.